The following is an entry in ClinVar:

NM_021969.3(NR0B2):c.530C>A (p.Pro177His)

Genes: NR0B2 (nuclear receptor subfamily 0 group B member 2; minus strand), NUDC (nuclear distribution C, dynein complex regulator; plus strand). Cytogenetic location: 1p36.11.
Variant type: single nucleotide variant.
Coding change: c.530C>A on transcript NM_021969.3 (MANE Select); coding-DNA position 530, C replaced by A.
Protein change: p.Pro177His; replaces proline 177 with histidine.
Molecular consequence: missense variant.
Genome position (GRCh38, 1-based): chr1:26,913,411, G>T on the plus strand (C>A on the coding strand, the complement: NR0B2 is on the minus strand). VCF-style: chr1-26913411-G-T. GRCh37 (hg19) VCF-style: chr1-27239902-G-T.
Other names: short protein forms P177H.
Identifiers: ClinVar variation 2618016 (VCV002618016.3), dbSNP rs749895851, ClinGen allele CA339190022.

ClinVar aggregate classification (germline): Uncertain significance. Review status: criteria provided, multiple submitters, no conflicts (2 of 4 stars). 2 submissions from 2 submitters: Uncertain significance (2). Last evaluated 2026-01-19.

Conditions:
NR0B2-related disorder. Also called: NR0B2-related condition.

Allele frequency attached by ClinVar (database versions not stated): TOPMed below 0.00001.
gnomAD v4.1: 2 of 1,614,046 alleles (0.00012%); highest among the groups gnomAD compares: Non-Finnish European, 0.00017%; no homozygotes.

Submissions (2):

PreventionGenetics, part of Exact Sciences
Classification: Uncertain significance for NR0B2-related condition. Last evaluated: 2026-01-19. Review status: criteria provided, single submitter. Criteria: ACMG Guidelines, 2015. Collection method: clinical testing. Allele origin: germline.
Comment: The NR0B2 c.530C>A variant is predicted to result in the amino acid substitution p.Pro177His. To our knowledge, this variant has not been reported in the literature or in a large population database (gnomAD), indicating this variant is rare. At this time, the clinical significance of this variant is uncertain due to the absence of conclusive functional and genetic evidence.

Ambry Genetics
Classification: Uncertain significance. Last evaluated: 2023-08-14. Review status: criteria provided, single submitter. Criteria: Ambry Variant Classification Scheme 2023. Collection method: clinical testing. Allele origin: germline.